The following is an entry in ClinVar:

NM_017636.4(TRPM4):c.2638G>A (p.Gly880Ser)

Gene: TRPM4 (transient receptor potential cation channel subfamily M member 4; plus strand). Cytogenetic location: 19q13.33.
Variant type: single nucleotide variant.
Coding change: c.2638G>A on transcript NM_017636.4 (MANE Select); coding-DNA position 2638, G replaced by A.
Protein change: p.Gly880Ser; replaces glycine 880 with serine.
Molecular consequence: missense variant. On other transcripts: intron variant (1).
Genome position (GRCh38, 1-based): chr19:49,196,867, G>A. VCF-style: chr19-49196867-G-A. GRCh37 (hg19) VCF-style: chr19-49700124-G-A.
Other names: c.2293G>A, p.Gly765Ser (NM_001321281.2); c.1030G>A, p.Gly344Ser (NM_001321282.2); c.2116G>A, p.Gly706Ser (NM_001321283.2); c.1576G>A, p.Gly526Ser (NM_001321285.2); c.2211-3433G>A (NM_001195227.2); short protein forms G880S, G765S, G344S, G526S, G706S.
Identifiers: ClinVar variation 409637 (VCV000409637.20), dbSNP rs762428211, ClinGen allele CA9569595.

ClinVar aggregate classification (germline): Uncertain significance. Review status: criteria provided, multiple submitters, no conflicts (2 of 4 stars). 4 submissions from 4 submitters: Uncertain significance (4). Last evaluated 2025-12-15.

Conditions:
Progressive familial heart block type IB (PFHB1B). Identifiers: Orphanet 871, MedGen C1970298, MONDO:0011474, OMIM 604559.
Erythrokeratodermia variabilis et progressiva 6. Identifiers: MedGen C5193144, MONDO:0032801, OMIM 618531.
Cardiovascular phenotype. Identifiers: MedGen CN230736.

Allele frequency attached by ClinVar (database versions not stated): gnomAD exomes 0.00002 and 0.00004; ExAC 0.00005; TOPMed 0.00006; gnomAD 0.00007 and 0.00008.
gnomAD v4.1: 45 of 1,580,366 alleles (0.0028%); highest among the groups gnomAD compares: Non-Finnish European, 0.0037%; no homozygotes.

Submissions (4):

Labcorp Genetics (formerly Invitae), Labcorp
Classification: Uncertain significance for Progressive familial heart block type IB. Last evaluated: 2025-12-15. Review status: criteria provided, single submitter. Criteria: Invitae Variant Classification Sherloc (09022015). Collection method: clinical testing. Allele origin: germline.
Comment: This sequence change replaces glycine, which is neutral and non-polar, with serine, which is neutral and polar, at codon 880 of the TRPM4 protein (p.Gly880Ser). The frequency data for this variant in the population databases is considered unreliable, as metrics indicate poor data quality at this position in the gnomAD database. This variant has not been reported in the literature in individuals affected with TRPM4-related conditions. ClinVar contains an entry for this variant (Variation ID: 409637). An algorithm developed to predict the effect of missense changes on protein structure and function (PolyPhen-2) suggests that this variant is likely to be tolerated. In summary, the available evidence is currently insufficient to determine the role of this variant in disease. Therefore, it has been classified as a Variant of Uncertain Significance.

Ambry Genetics
Classification: Uncertain significance for Cardiovascular phenotype. Last evaluated: 2025-01-27. Review status: criteria provided, single submitter. Criteria: Ambry Variant Classification Scheme 2023. Collection method: clinical testing. Allele origin: germline.

Fulgent Genetics
Classification: Uncertain significance for Progressive familial heart block type IB; Erythrokeratodermia variabilis et progressiva 6. Last evaluated: 2021-09-08. Review status: criteria provided, single submitter. Criteria: ACMG Guidelines, 2015. Collection method: clinical testing. Allele origin: unknown.

Illumina Laboratory Services, Illumina
Classification: Uncertain significance for Progressive familial heart block type IB. Last evaluated: 2018-01-13. Review status: criteria provided, single submitter. Criteria: ICSL Variant Classification Criteria 13 December 2019. Collection method: clinical testing. Allele origin: germline.